The following is an entry in ClinVar:

ClinVar aggregate classification (germline): Uncertain significance (1 of 4 stars; one submission).

Conditions:
Joubert syndrome 18 (JBTS18). Identifiers: Orphanet 2754, MedGen C3553758, MONDO:0013896, OMIM 614815.
Orofacial-digital syndrome IV (OFD4). Also called: BARAITSER-BURN SYNDROME; OFD SYNDROME WITH TIBIAL DEFECTS; OFD SYNDROME, BARAITSER-BURN TYPE; OFDS IV; ORAL-FACIAL-DIGITAL SYNDROME, TYPE IV; Orofaciodigital syndrome IV. Identifiers: Orphanet 2753, MedGen C0406727, MONDO:0009794, OMIM 258860.

Allele frequency attached by ClinVar (database versions not stated): ExAC 0.00001; gnomAD exomes 0.00001; TOPMed 0.00002.

Submission:

Labcorp Genetics (formerly Invitae), Labcorp
Classification: Uncertain significance for Joubert syndrome 18; Orofacial-digital syndrome IV. Last evaluated: 2022-11-08. Review status: criteria provided, single submitter. Criteria: Invitae Variant Classification Sherloc (09022015). Collection method: clinical testing. Allele origin: germline.
Comment: In summary, the available evidence is currently insufficient to determine the role of this variant in disease. Therefore, it has been classified as a Variant of Uncertain Significance. Algorithms developed to predict the effect of sequence changes on RNA splicing suggest that this variant may create or strengthen a splice site. This variant has not been reported in the literature in individuals affected with TCTN3-related conditions. This variant is present in population databases (rs771545094, gnomAD 0.01%). This variant, c.1224_1226del, is a complex sequence change that results in the deletion of 2 and insertion of 1 amino acid(s) in the TCTN3 protein (p.Gln408_Gly409delinsHis).

NM_015631.6(TCTN3):c.1224_1226del (p.Gln408_Gly409delinsHis)

Gene: TCTN3 (tectonic family member 3; minus strand). Cytogenetic location: 10q24.1.
Variant type: Deletion.
Coding change: c.1224_1226del on transcript NM_015631.6 (MANE Select); coding-DNA positions 1224 to 1226, 3 bases deleted (GGG; older notation c.1224_1226delGGG).
Protein change: p.Gln408_Gly409delinsHis.
Molecular consequence: inframe indel.
Genome position (GRCh38, 1-based): chr10:95,683,173-95,683,175, CCC deleted on the plus strand (GGG on the coding strand, the reverse complement: TCTN3 is on the minus strand). VCF-style (leftmost placement, unchanged base first): chr10-95683172-ACCC-A. GRCh37 (hg19) VCF-style: chr10-97442929-ACCC-A.
Other names: c.1278_1280delGGG, p.Gln426_Gly427delinsHis (NM_001013840.1); c.780_782del, p.Gln260_Gly261delinsHis (NM_001143973.2); c.1128_1130delGGG, p.Gln376_Gly377delinsHis (NM_001410982.1).
Identifiers: ClinVar variation 2416659 (VCV002416659.4), dbSNP rs771545094, ClinGen allele CA5620897.